The following is an entry in ClinVar:

ClinVar aggregate classification (germline): Uncertain significance (1 of 4 stars; one submission).

Conditions:
Fucosidosis. Also called: ALPHA-L-FUCOSIDASE DEFICIENCY. Identifiers: Orphanet 349, MedGen C0016788, MONDO:0009254, OMIM 230000.

Allele frequency attached by ClinVar (database versions not stated): ExAC 0.00001; gnomAD exomes 0.00001 and 0.00002; TOPMed 0.00001.

Submission:

Labcorp Genetics (formerly Invitae), Labcorp
Classification: Uncertain significance for Fucosidosis. Last evaluated: 2022-03-16. Review status: criteria provided, single submitter. Criteria: Invitae Variant Classification Sherloc (09022015). Collection method: clinical testing. Allele origin: germline.
Comment: This sequence change replaces arginine, which is basic and polar, with cysteine, which is neutral and slightly polar, at codon 307 of the FUCA1 protein (p.Arg307Cys). This variant is present in population databases (rs773719849, gnomAD 0.004%). This variant has not been reported in the literature in individuals affected with FUCA1-related conditions. Algorithms developed to predict the effect of missense changes on protein structure and function are either unavailable or do not agree on the potential impact of this missense change (SIFT: "Deleterious"; PolyPhen-2: "Benign"; Align-GVGD: "Class C0"). In summary, the available evidence is currently insufficient to determine the role of this variant in disease. Therefore, it has been classified as a Variant of Uncertain Significance.

NM_000147.5(FUCA1):c.919C>T (p.Arg307Cys)

Gene: FUCA1 (alpha-L-fucosidase 1; minus strand). Cytogenetic location: 1p36.11.
Variant type: single nucleotide variant.
Coding change: c.919C>T on transcript NM_000147.5 (MANE Select); coding-DNA position 919, C replaced by T.
Protein change: p.Arg307Cys; replaces arginine 307 with cysteine.
Molecular consequence: missense variant.
Genome position (GRCh38, 1-based): chr1:23,854,410, G>A on the plus strand (C>T on the coding strand, the complement: FUCA1 is on the minus strand). VCF-style: chr1-23854410-G-A. GRCh37 (hg19) VCF-style: chr1-24180900-G-A.
Other names: short protein forms R307C.
Identifiers: ClinVar variation 1415540 (VCV001415540.3), dbSNP rs773719849, ClinGen allele CA686428.